The following is an entry in ClinVar:

NM_003235.5(TG):c.7465C>T (p.Arg2489Cys)

Genes: SLA (Src like adaptor; minus strand), TG (thyroglobulin; plus strand). Cytogenetic location: 8q24.22.
Variant type: single nucleotide variant.
Coding change: c.7465C>T on transcript NM_003235.5 (MANE Select); coding-DNA position 7465, C replaced by T.
Protein change: p.Arg2489Cys; replaces arginine 2489 with cysteine.
Molecular consequence: missense variant. On other transcripts: intron variant (4).
Genome position (GRCh38, 1-based): chr8:133,096,266, C>T. VCF-style: chr8-133096266-C-T. GRCh37 (hg19) VCF-style: chr8-134108510-C-T.
Other names: c.-264+6287G>A (NM_001282965.2); c.11+6287G>A (NM_001282964.2, NM_001045557.3); c.-319+6287G>A (NM_001045556.3); c.7465C>T (NM_003235.4); short protein forms R2489C.
Identifiers: ClinVar variation 3371929 (VCV003371929.2).

ClinVar aggregate classification (germline): Uncertain significance. Review status: criteria provided, multiple submitters, no conflicts (2 of 4 stars). 2 submissions from 2 submitters: Uncertain significance (2). Last evaluated 2025-03-26.

Conditions:
Inborn genetic diseases. Identifiers: MedGen C0950123, MeSH D030342.

gnomAD v4.1: 31 of 1,614,088 alleles (0.0019%); highest among the groups gnomAD compares: South Asian, 0.0033%; no homozygotes.

Submissions (2):

Ambry Genetics
Classification: Uncertain significance for Inborn genetic diseases. Last evaluated: 2025-03-26. Review status: criteria provided, single submitter. Criteria: Ambry Variant Classification Scheme 2023. Collection method: clinical testing. Allele origin: germline.

GeneDx
Classification: Uncertain significance. Last evaluated: 2024-04-01. Review status: criteria provided, single submitter. Criteria: GeneDx Variant Classification Process June 2021. Collection method: clinical testing. Allele origin: germline. Affected: yes.
Comment: In silico analysis supports that this missense variant has a deleterious effect on protein structure/function; Has not been previously published as pathogenic or benign to our knowledge